The following is an entry in ClinVar:

NM_000085.5(CLCNKB):c.533C>T (p.Ala178Val)

Genes: CLCNKB (chloride voltage-gated channel Kb; plus strand), LOC106501713 (CLCNKB recombination region; plus strand). Cytogenetic location: 1p36.13.
Variant type: single nucleotide variant.
Coding change: c.533C>T on transcript NM_000085.5 (MANE Select); coding-DNA position 533, C replaced by T.
Protein change: p.Ala178Val; replaces alanine 178 with valine.
Molecular consequence: missense variant.
Genome position (GRCh38, 1-based): chr1:16,048,377, C>T. VCF-style: chr1-16048377-C-T. GRCh37 (hg19) VCF-style: chr1-16374872-C-T.
Other names: short protein forms A178V.
Identifiers: ClinVar variation 1921444 (VCV001921444.7), dbSNP rs762220388, ClinGen allele CA623359.

ClinVar aggregate classification (germline): Uncertain significance. Review status: criteria provided, multiple submitters, no conflicts (2 of 4 stars). 3 submissions from 3 submitters: Uncertain significance (3). Last evaluated 2024-03-19.

Conditions:
Inborn genetic diseases. Identifiers: MedGen C0950123, MeSH D030342.

Allele frequency attached by ClinVar (database versions not stated): ExAC 0.00001; gnomAD 0.00001; gnomAD exomes 0.00001; TOPMed 0.00001.
gnomAD v4.1: 17 of 1,613,920 alleles (0.0011%); highest among the groups gnomAD compares: Non-Finnish European, 0.0013%; no homozygotes.

Submissions (3):

Blueprint Genetics
Classification: Uncertain significance. Last evaluated: 2024-03-19. Review status: criteria provided, single submitter. Criteria: ACMG Guidelines, 2015. Collection method: clinical testing. Allele origin: germline.

Labcorp Genetics (formerly Invitae), Labcorp
Classification: Uncertain significance. Last evaluated: 2022-08-14. Review status: criteria provided, single submitter. Criteria: Invitae Variant Classification Sherloc (09022015). Collection method: clinical testing. Allele origin: germline.
Comment: In summary, the available evidence is currently insufficient to determine the role of this variant in disease. Therefore, it has been classified as a Variant of Uncertain Significance. Advanced modeling of protein sequence and biophysical properties (such as structural, functional, and spatial information, amino acid conservation, physicochemical variation, residue mobility, and thermodynamic stability) performed at Invitae indicates that this missense variant is expected to disrupt CLCNKB protein function. This variant has not been reported in the literature in individuals affected with CLCNKB-related conditions. This variant is present in population databases (rs762220388, gnomAD 0.0009%). This sequence change replaces alanine, which is neutral and non-polar, with valine, which is neutral and non-polar, at codon 178 of the CLCNKB protein (p.Ala178Val).

Ambry Genetics
Classification: Uncertain significance for Inborn genetic diseases. Last evaluated: 2021-10-06. Review status: criteria provided, single submitter. Criteria: Ambry Variant Classification Scheme 2023. Collection method: clinical testing. Allele origin: germline.